The following is an entry in ClinVar:

NM_020937.4(FANCM):c.4045T>A (p.Ser1349Thr)

Gene: FANCM (FA complementation group M; plus strand). Cytogenetic location: 14q21.2.
Variant type: single nucleotide variant.
Coding change: c.4045T>A on transcript NM_020937.4 (MANE Select); coding-DNA position 4045, T replaced by A.
Protein change: p.Ser1349Thr; replaces serine 1349 with threonine.
Molecular consequence: missense variant.
Genome position (GRCh38, 1-based): chr14:45,176,799, T>A. VCF-style: chr14-45176799-T-A. GRCh37 (hg19) VCF-style: chr14-45646002-T-A.
Other names: c.3967T>A, p.Ser1323Thr (NM_001308133.2); short protein forms S1323T, S1349T.
Identifiers: ClinVar variation 2007405 (VCV002007405.4), dbSNP rs2503196752, ClinGen allele CA389604067.

ClinVar aggregate classification (germline): Uncertain significance (1 of 4 stars; one submission).

Conditions:
Fanconi anemia (FA). Also called: Fanconi's anemia. Identifiers: Orphanet 84, MedGen C0015625, MeSH D005199, MONDO:0019391.

Submission:

Labcorp Genetics (formerly Invitae), Labcorp
Classification: Uncertain significance for Fanconi anemia. Last evaluated: 2022-06-16. Review status: criteria provided, single submitter. Criteria: Invitae Variant Classification Sherloc (09022015). Collection method: clinical testing. Allele origin: germline.
Comment: In summary, the available evidence is currently insufficient to determine the role of this variant in disease. Therefore, it has been classified as a Variant of Uncertain Significance. Algorithms developed to predict the effect of missense changes on protein structure and function (SIFT, PolyPhen-2, Align-GVGD) all suggest that this variant is likely to be tolerated. This variant has not been reported in the literature in individuals affected with FANCM-related conditions. This variant is not present in population databases (gnomAD no frequency). This sequence change replaces serine, which is neutral and polar, with threonine, which is neutral and polar, at codon 1349 of the FANCM protein (p.Ser1349Thr).